The following is an entry in ClinVar:

NM_001009944.3(PKD1):c.8017-1G>C

Gene: PKD1 (polycystin 1, transient receptor potential channel interacting; minus strand). Cytogenetic location: 16p13.3.
Variant type: single nucleotide variant.
Coding change: c.8017-1G>C on transcript NM_001009944.3 (MANE Select); the canonical splice acceptor site of the intron before coding-DNA position 8017, G replaced by C.
Molecular consequence: splice acceptor variant.
Genome position (GRCh38, 1-based): chr16:2,104,643, C>G on the plus strand (G>C on the coding strand, the complement: PKD1 is on the minus strand). VCF-style: chr16-2104643-C-G. GRCh37 (hg19) VCF-style: chr16-2154644-C-G.
Other names: c.8017-1G>C (NM_000296.4, NM_000296.3).
Identifiers: ClinVar variation 873394 (VCV000873394.3), dbSNP rs2092263886, ClinGen allele CA394365686.

ClinVar aggregate classification (germline): Pathogenic. Review status: criteria provided, multiple submitters, no conflicts (2 of 4 stars). 3 submissions from 3 submitters: Pathogenic (2). 1 of the submissions does not count toward it. Last evaluated 2022-04-28.

Conditions:
Polycystic kidney disease, adult type (PKD1). Also called: POLYCYSTIC KIDNEY DISEASE, ADULT, TYPE I; Polycystic Kidney Disease 1, Autosomal Dominant; Polycystic kidney disease 1; Polycystic kidney disease 1, severe; Polycystic Kidney, Autosomal Dominant; POLYCYSTIC KIDNEY DISEASE 1 WITH OR WITHOUT POLYCYSTIC LIVER DISEASE. Identifiers: MedGen C3149841, MONDO:0008263, OMIM 173900.
Polycystic kidney disease. Also called: Polycystic kidney dysplasia; Kidney, Polycystic. Identifiers: MedGen C0022680, MeSH D007690, MONDO:0020642, HP:0000113.

Submissions (3):

Athena Diagnostics
Classification: Pathogenic. Last evaluated: 2022-04-28. Review status: criteria provided, single submitter. Criteria: Athena Diagnostics Criteria. Collection method: clinical testing. Allele origin: unknown.
Comment: This variant is expected to severely impact normal RNA splicing, and consequently, protein structure and/or function. This variant has not been reported in large, multi-ethnic general populations. This variant has been identified in at least one individual with clinical features associated with this gene.

Cavalleri Lab, Royal College of Surgeons in Ireland
Classification: Pathogenic for Polycystic kidney disease, adult type. Last evaluated: 2020-02-05. Review status: criteria provided, single submitter. Criteria: ACMG Guidelines, 2015. Collection method: research. Allele origin: unknown. Inheritance: Autosomal dominant inheritance. Affected: yes.
Comment: PVS1, PM2, PP4

Department of Pathology and Laboratory Medicine, Sinai Health System
Classification: Pathogenic for Polycystic Kidney disease. Review status: no assertion criteria provided. Collection method: clinical testing. Allele origin: unknown. Affected: yes. Observed: 1 variant allele. Study: The Canadian Open Genetics Repository (COGR). Not counted in ClinVar's aggregate classification.
Comment: The PKD1 c.8017-1G>C variant was identified in 1 of 1400 proband chromosomes (frequency: 0.0007) from individuals or families with ADPKD (Audrezet 2012).The variant also segregated with disease in this proband family members. The variant was also identified in ADPKD Mutation Database (as "definitely pathogenicâ€šÃ„Ã¹). The variant was not identified in dbSNP, ClinVar, COGR, LOVD 3.0 or PKD1-LOVD databases. The variant was not identified in the following control databases: the 1000 Genomes Project, the NHLBI GO Exome Sequencing Project, the Exome Aggregation Consortium (August 8th 2016), or the Genome Aggregation Database (Feb 27, 2017). The c.8017-1G>C variant is predicted to cause abnormal splicing because the nucleotide substitution occurs in the invariant region of the splice consensus sequence. In addition, 4 of 4 in silico or computational prediction software programs (SpliceSiteFinder, MaxEntScan, NNSPLICE, GeneSplicer) predict a greater than 10% difference in splicing. In summary, based on the above information this variant meets our laboratoryâ€šÃ„Ã´s criteria to be classified as pathogenic.

Literature cited by the submitters: PubMed 22508176 (cited by Athena Diagnostics); PubMed 33454723 (cited by Athena Diagnostics).